The following is an entry in ClinVar:

NM_001387220.1(IKZF2):c.1353G>A (p.Lys451=)

Gene: IKZF2 (IKAROS family zinc finger 2; minus strand). Cytogenetic location: 2q34.
Variant type: single nucleotide variant.
Coding change: c.1353G>A on transcript NM_001387220.1 (MANE Select); coding-DNA position 1353, G replaced by A.
Protein change: p.Lys451=; no amino-acid change (lysine 451 retained).
Molecular consequence: synonymous variant.
Genome position (GRCh38, 1-based): chr2:213,007,588, C>T on the plus strand (G>A on the coding strand, the complement: IKZF2 is on the minus strand). VCF-style: chr2-213007588-C-T. GRCh37 (hg19) VCF-style: chr2-213872312-C-T.
Other names: c.1275G>A, p.Lys425= (NM_001079526.2, NM_001371275.1, NM_001371276.1); c.1353G>A, p.Lys451= (NM_001371274.1, NM_016260.3); c.1128G>A, p.Lys376= (NM_001371277.1).
Identifiers: ClinVar variation 4848749 (VCV004848749.1).
Genomic context (GRCh38, chr2:213,007,588, plus strand): 5'-GAAGGCCCTAATCTGTTCTCCTTCTCCATTGAAGACCTTGTAGATGTCCTTCAGAGAGCC[C>T]TTAGGAGCCTTGGTAGTATCCAAAGCTTTGACATCCTCCTTCATGTAAGCTGGGCTTTGT-3'
Protein context (NP_001374149.1, residues 441-461): VKALDTTKAP[Lys451=]GSLKDIYKVF

ClinVar aggregate classification (germline): Likely benign (1 of 4 stars; one submission).

gnomAD v4.1: 23 of 1,613,578 alleles (0.0014%); highest among the groups gnomAD compares: Middle Eastern, 0.033%; no homozygotes.

Submission:

Women's Health and Genetics/Laboratory Corporation of America, LabCorp
Classification: Likely benign. Last evaluated: 2026-04-08. Review status: criteria provided, single submitter. Criteria: LabCorp Variant Classification Summary - May 2015. Collection method: clinical testing. Allele origin: germline.
Comment: Variant summary: IKZF2 c.1275G>A alters a conserved nucleotide resulting in a synonymous change. Consensus agreement among computation tools predict no significant impact on normal splicing. However, these predictions have yet to be confirmed by functional studies. The variant allele was found at a frequency of 4e-06 in 250892 control chromosomes. The available data on variant occurrences in the general population are insufficient to allow any conclusion about variant significance. To our knowledge, no occurrence of c.1275G>A in individuals affected with IKZF2-related conditions and no experimental evidence demonstrating its impact on protein function have been reported. No submitters have cited clinical-significance assessments for this variant to ClinVar. Based on the evidence outlined above, the variant was classified as likely benign.